The following is an entry in ClinVar:

NM_000416.3(IFNGR1):c.1030G>A (p.Glu344Lys)

Gene: IFNGR1 (interferon gamma receptor 1; minus strand). Cytogenetic location: 6q23.3.
Variant type: single nucleotide variant.
Coding change: c.1030G>A on transcript NM_000416.3 (MANE Select); coding-DNA position 1030, G replaced by A.
Protein change: p.Glu344Lys; replaces glutamic acid 344 with lysine.
Molecular consequence: missense variant.
Genome position (GRCh38, 1-based): chr6:137,198,471, C>T on the plus strand (G>A on the coding strand, the complement: IFNGR1 is on the minus strand). VCF-style: chr6-137198471-C-T. GRCh37 (hg19) VCF-style: chr6-137519608-C-T.
Other names: c.1000G>A, p.Glu334Lys (NM_001363526.1); c.907G>A, p.Glu303Lys (NM_001363527.1); short protein forms E344K, E334K, E303K.
Identifiers: ClinVar variation 3685044 (VCV003685044.3).

ClinVar aggregate classification (germline): Uncertain significance. Review status: criteria provided, multiple submitters, no conflicts (2 of 4 stars). 2 submissions from 2 submitters: Uncertain significance (2). Last evaluated 2025-01-28.

Conditions:
Disseminated atypical mycobacterial infection. Identifiers: MedGen C0694566.

Submissions (2):

GeneDx
Classification: Uncertain significance. Last evaluated: 2025-01-28. Review status: criteria provided, single submitter. Criteria: GeneDx Variant Classification Process June 2021. Collection method: clinical testing. Allele origin: germline. Affected: yes.
Comment: Not observed at significant frequency in large population cohorts (gnomAD); In silico analysis indicates that this missense variant does not alter protein structure/function; Has not been previously published as pathogenic or benign to our knowledge

Labcorp Genetics (formerly Invitae), Labcorp
Classification: Uncertain significance for Disseminated atypical mycobacterial infection. Last evaluated: 2024-03-15. Review status: criteria provided, single submitter. Criteria: Invitae Variant Classification Sherloc (09022015). Collection method: clinical testing. Allele origin: germline.
Comment: This sequence change replaces glutamic acid, which is acidic and polar, with lysine, which is basic and polar, at codon 344 of the IFNGR1 protein (p.Glu344Lys). This variant is not present in population databases (gnomAD no frequency). This variant has not been reported in the literature in individuals affected with IFNGR1-related conditions. Advanced modeling of protein sequence and biophysical properties (such as structural, functional, and spatial information, amino acid conservation, physicochemical variation, residue mobility, and thermodynamic stability) performed at Invitae indicates that this missense variant is not expected to disrupt IFNGR1 protein function with a negative predictive value of 80%. In summary, the available evidence is currently insufficient to determine the role of this variant in disease. Therefore, it has been classified as a Variant of Uncertain Significance.